The following is an entry in ClinVar:

ClinVar aggregate classification (germline): Uncertain significance. Review status: criteria provided, multiple submitters, no conflicts (2 of 4 stars). 2 submissions from 2 submitters: Uncertain significance (2). Last evaluated 2022-07-08.

Conditions:
Hereditary nonpolyposis colorectal neoplasms. Identifiers: MedGen C0009405, MeSH D003123.
Hereditary cancer-predisposing syndrome. Also called: Neoplastic Syndromes, Hereditary; Hereditary neoplastic syndrome; Tumor predisposition; Hereditary Cancer Syndrome. Identifiers: Orphanet 140162, MedGen C0027672, MeSH D009386, MONDO:0015356.

Submissions (2):

Labcorp Genetics (formerly Invitae), Labcorp
Classification: Uncertain significance for Hereditary nonpolyposis colorectal neoplasms. Last evaluated: 2022-07-08. Review status: criteria provided, single submitter. Criteria: Invitae Variant Classification Sherloc (09022015). Collection method: clinical testing. Allele origin: germline.
Comment: This variant is not present in population databases (gnomAD no frequency). This variant, c.3862_3882dup, results in the insertion of 7 amino acid(s) of the MSH6 protein (p.Lys1288_Cys1294dup), but otherwise preserves the integrity of the reading frame. This variant has not been reported in the literature in individuals affected with MSH6-related conditions. In summary, the available evidence is currently insufficient to determine the role of this variant in disease. Therefore, it has been classified as a Variant of Uncertain Significance. Algorithms developed to predict the effect of sequence changes on RNA splicing suggest that this variant may disrupt the consensus splice site. Experimental studies and prediction algorithms are not available or were not evaluated, and the functional significance of this variant is currently unknown. ClinVar contains an entry for this variant (Variation ID: 1392716).

Ambry Genetics
Classification: Uncertain significance for Hereditary cancer-predisposing syndrome. Last evaluated: 2021-11-19. Review status: criteria provided, single submitter. Criteria: Ambry Variant Classification Scheme 2023. Collection method: clinical testing. Allele origin: germline.
Comment: The c.3862_3882dup21 variant (also known as p.K1288_C1294dup), located in coding exon 9 of the MSH6 gene, results from an in-frame duplication of 21 nucleotides at nucleotide positions 3862 to 3882. This results in the duplication of 7 extra residues (KFIKGAC) between codons 1288 and 1294. Based on internal structural analysis, this variant is predicted to be deleterious (Ambry internal data). This amino acid region is well conserved in available vertebrate species. Since supporting evidence is limited at this time, the clinical significance of this alteration remains unclear.

NM_000179.3(MSH6):c.3862_3882dup (p.Lys1288_Cys1294dup)

Gene: MSH6 (mutS homolog 6; plus strand). Cytogenetic location: 2p16.3.
Variant type: Duplication.
Coding change: c.3862_3882dup on transcript NM_000179.3 (MANE Select); coding-DNA positions 3862 to 3882, 21 bases duplicated (AAATTCATTAAGGGAGCTTGT).
Protein change: p.Lys1288_Cys1294dup.
Molecular consequence: inframe insertion.
Genome position (GRCh38, 1-based): chr2:47,806,512-47,806,532, AAATTCATTAAGGGAGCTTGT duplicated; duplicating any 21 consecutive bases within chr2:47,806,511-47,806,532 gives the same sequence; the c. name uses the placement nearest the transcript's 3' end. VCF-style (leftmost placement, unchanged base first): chr2-47806510-A-ATAAATTCATTAAGGGAGCTTG. GRCh37 (hg19) VCF-style: chr2-48033649-A-ATAAATTCATTAAGGGAGCTTG.
Other names: c.3472_3492dup, p.Lys1158_Cys1164dup (NM_001281492.2); c.2956_2976dup, p.Lys986_Cys992dup (NM_001281493.2, NM_001281494.2).
Identifiers: ClinVar variation 1392716 (VCV001392716.10), dbSNP rs1670107768, ClinGen allele CA1030296775.